The following is an entry in ClinVar:

NM_000384.3(APOB):c.6370G>A (p.Asp2124Asn)

Gene: APOB (apolipoprotein B; minus strand). Cytogenetic location: 2p24.1.
Variant type: single nucleotide variant.
Coding change: c.6370G>A on transcript NM_000384.3 (MANE Select); coding-DNA position 6370, G replaced by A.
Protein change: p.Asp2124Asn; replaces aspartic acid 2124 with asparagine.
Molecular consequence: missense variant.
Genome position (GRCh38, 1-based): chr2:21,010,498, C>T on the plus strand (G>A on the coding strand, the complement: APOB is on the minus strand). VCF-style: chr2-21010498-C-T. GRCh37 (hg19) VCF-style: chr2-21233370-C-T.
Other names: short protein forms D2124N.
Identifiers: ClinVar variation 2238252 (VCV002238252.4), dbSNP rs1386023249, ClinGen allele CA346001912.

ClinVar aggregate classification (germline): Uncertain significance. Review status: criteria provided, multiple submitters, no conflicts (2 of 4 stars). 2 submissions from 2 submitters: Uncertain significance (2). Last evaluated 2025-02-26.

Conditions:
Familial hypobetalipoproteinemia 1. Also called: APOB-Related Familial Hypobetalipoproteinemia; Hypobetalipoproteinemia, normotriglyceridemic; Acanthocytosis with hypobetalipoproteinemia. Identifiers: MedGen C4551990, MONDO:0014252, OMIM 615558.
Hypercholesterolemia, autosomal dominant, type B (FHCL2). Also called: Familial Hypercholesterolemia Type B; APOLIPOPROTEIN B-100, FAMILIAL DEFECTIVE; APOLIPOPROTEIN B-100, FAMILIAL LIGAND-DEFECTIVE; HYPERCHOLESTEROLEMIA, FAMILIAL, DUE TO LIGAND-DEFECTIVE APOLIPOPROTEIN B; Hyperlipoproteinemia Type IIb; APOB-Related Familial Hypercholesterolemia, Autosomal Dominant. Identifiers: MedGen C1704417, MONDO:0007751, OMIM 144010.
Cardiovascular phenotype. Identifiers: MedGen CN230736.

Allele frequency attached by ClinVar (database versions not stated): gnomAD 0.00001; gnomAD exomes 0.00001.
gnomAD v4.1: 8 of 1,610,110 alleles (0.0005%); highest among the groups gnomAD compares: Non-Finnish European, 0.00068%; no homozygotes.

Submissions (2):

Labcorp Genetics (formerly Invitae), Labcorp
Classification: Uncertain significance for Familial hypobetalipoproteinemia 1; Hypercholesterolemia, autosomal dominant, type B. Last evaluated: 2025-02-26. Review status: criteria provided, single submitter. Criteria: Invitae Variant Classification Sherloc (09022015). Collection method: clinical testing. Allele origin: germline.
Comment: This sequence change replaces aspartic acid, which is acidic and polar, with asparagine, which is neutral and polar, at codon 2124 of the APOB protein (p.Asp2124Asn). This variant is present in population databases (no rsID available, gnomAD 0.002%). This variant has not been reported in the literature in individuals affected with APOB-related conditions. ClinVar contains an entry for this variant (Variation ID: 2238252). Invitae Evidence Modeling of protein sequence and biophysical properties (such as structural, functional, and spatial information, amino acid conservation, physicochemical variation, residue mobility, and thermodynamic stability) indicates that this missense variant is not expected to disrupt APOB protein function with a negative predictive value of 95%. In summary, the available evidence is currently insufficient to determine the role of this variant in disease. Therefore, it has been classified as a Variant of Uncertain Significance.

Ambry Genetics
Classification: Uncertain significance for Cardiovascular phenotype. Last evaluated: 2024-08-07. Review status: criteria provided, single submitter. Criteria: Ambry Variant Classification Scheme 2023. Collection method: clinical testing. Allele origin: germline.
Comment: The p.D2124N variant (also known as c.6370G>A), located in coding exon 26 of the APOB gene, results from a G to A substitution at nucleotide position 6370. The aspartic acid at codon 2124 is replaced by asparagine, an amino acid with highly similar properties. This amino acid position is conserved. In addition, this alteration is predicted to be tolerated by in silico analysis. Based on the available evidence, the clinical significance of this variant remains unclear.